The following is an entry in ClinVar:

ClinVar aggregate classification (germline): Uncertain significance (1 of 4 stars; one submission).

Allele frequency attached by ClinVar (database versions not stated): gnomAD exomes below 0.00001.
gnomAD v4.1: 1 of 1,610,784 alleles (0.000062%); highest among the groups gnomAD compares: Non-Finnish European, 0.000085%; no homozygotes.

Submission:

Ambry Genetics
Classification: Uncertain significance. Last evaluated: 2023-05-31. Review status: criteria provided, single submitter. Criteria: Ambry Variant Classification Scheme 2023. Collection method: clinical testing. Allele origin: germline.
Comment: The p.H957P variant (also known as c.2870A>C), located in coding exon 16 of the PALLD gene, results from an A to C substitution at nucleotide position 2870. The histidine at codon 957 is replaced by proline, an amino acid with similar properties. This amino acid position is conserved. In addition, this alteration is predicted to be deleterious by in silico analysis. Since supporting evidence is limited at this time, the clinical significance of this alteration remains unclear.

NM_001166108.2(PALLD):c.2921A>C (p.His974Pro)

Genes: CBR4 (carbonyl reductase 4; minus strand), PALLD (palladin, cytoskeletal associated protein; plus strand). Cytogenetic location: 4q32.3.
Variant type: single nucleotide variant.
Coding change: c.2921A>C on transcript NM_001166108.2 (MANE Select); coding-DNA position 2921, A replaced by C.
Protein change: p.His974Pro; replaces histidine 974 with proline.
Molecular consequence: missense variant.
Genome position (GRCh38, 1-based): chr4:168,921,604, A>C. VCF-style: chr4-168921604-A-C. GRCh37 (hg19) VCF-style: chr4-169842755-A-C.
Other names: c.1724A>C, p.His575Pro (NM_001166109.2); c.1409A>C, p.His470Pro (NM_001166110.2); c.749A>C, p.His250Pro (NM_001367567.1, NM_001367569.1); c.800A>C, p.His267Pro (NM_001367568.1, NM_001367570.1); c.2870A>C, p.His957Pro (NM_016081.4); short protein forms H267P, H470P, H575P, H250P, H957P, H974P.
Identifiers: ClinVar variation 2563429 (VCV002563429.2), dbSNP rs2534193287, ClinGen allele CA358708731.